The following is an entry in ClinVar:

NM_000136.3(FANCC):c.1286A>G (p.Tyr429Cys)

Genes: AOPEP (aminopeptidase O (putative); plus strand), FANCC (FA complementation group C; minus strand). Cytogenetic location: 9q22.32.
Variant type: single nucleotide variant.
Coding change: c.1286A>G on transcript NM_000136.3 (MANE Select); coding-DNA position 1286, A replaced by G.
Protein change: p.Tyr429Cys; replaces tyrosine 429 with cysteine.
Molecular consequence: missense variant.
Genome position (GRCh38, 1-based): chr9:95,111,506, T>C on the plus strand (A>G on the coding strand, the complement: FANCC is on the minus strand). VCF-style: chr9-95111506-T-C. GRCh37 (hg19) VCF-style: chr9-97873788-T-C.
Other names: c.1286A>G, p.Tyr429Cys (NM_001243743.2, NM_001243744.2); short protein forms Y429C.
Identifiers: ClinVar variation 1768968 (VCV001768968.2), dbSNP rs2134547645, ClinGen allele CA374107307.

ClinVar aggregate classification (germline): Uncertain significance (1 of 4 stars; one submission).

Conditions:
Hereditary cancer-predisposing syndrome. Also called: Hereditary Cancer Syndrome; Hereditary neoplastic syndrome; Neoplastic Syndromes, Hereditary; Tumor predisposition. Identifiers: Orphanet 140162, MedGen C0027672, MeSH D009386, MONDO:0015356.

Submission:

Ambry Genetics
Classification: Uncertain significance for Hereditary cancer-predisposing syndrome. Last evaluated: 2022-09-12. Review status: criteria provided, single submitter. Criteria: Ambry Variant Classification Scheme 2023. Collection method: clinical testing. Allele origin: germline.
Comment: The p.Y429C variant (also known as c.1286A>G), located in coding exon 12 of the FANCC gene, results from an A to G substitution at nucleotide position 1286. The tyrosine at codon 429 is replaced by cysteine, an amino acid with highly dissimilar properties. This amino acid position is conserved. In addition, this alteration is predicted to be tolerated by in silico analysis. Since supporting evidence is limited at this time, the clinical significance of this alteration remains unclear.